The following is an entry in ClinVar:

ClinVar aggregate classification (germline): Likely pathogenic. Review status: criteria provided, single submitter (1 of 4 stars). 2 submissions from 2 submitters: Likely pathogenic (1). 1 of the submissions does not count toward it. Last evaluated 2024-03-08.

Conditions:
STRC-related disorder. Also called: STRC-related condition.

gnomAD v4.1: 8 of 1,587,362 alleles (0.0005%); highest among the groups gnomAD compares: Non-Finnish European, 0.00069%; no homozygotes.

Submissions (2):

Blueprint Genetics
Classification: Likely pathogenic for STRC-related disorders. Last evaluated: 2024-03-08. Review status: criteria provided, single submitter. Criteria: ACMG Guidelines, 2015. Collection method: clinical testing. Allele origin: germline. Affected: yes. Observed: 5 variant alleles.

PreventionGenetics, part of Exact Sciences
Classification: Uncertain significance for STRC-related condition. Last evaluated: 2024-08-28. Review status: no assertion criteria provided. Collection method: clinical testing. Allele origin: germline. Not counted in ClinVar's aggregate classification.
Comment: The STRC c.4168G>A variant is predicted to result in the amino acid substitution p.Gly1390Arg. To our knowledge, this variant has not been reported in the literature or in a large population database, indicating this variant is rare. At this time, the clinical significance of this variant is uncertain due to the absence of conclusive functional and genetic evidence.

NM_153700.2(STRC):c.4168G>A (p.Gly1390Arg)

Gene: STRC (stereocilin; minus strand). Cytogenetic location: 15q15.3.
Variant type: single nucleotide variant.
Coding change: c.4168G>A on transcript NM_153700.2 (MANE Select); coding-DNA position 4168, G replaced by A.
Protein change: p.Gly1390Arg; replaces glycine 1390 with arginine.
Molecular consequence: missense variant.
Genome position (GRCh38, 1-based): chr15:43,604,411, C>T on the plus strand (G>A on the coding strand, the complement: STRC is on the minus strand). VCF-style: chr15-43604411-C-T. GRCh37 (hg19) VCF-style: chr15-43896609-C-T.
Other names: short protein forms G1390R.
Identifiers: ClinVar variation 3352327 (VCV003352327.2).
Genomic context (GRCh38, chr15:43,604,411, plus strand): 5'-TTCATCTCACCCTGGGGATCAAGGAAATTGCCTCAGTAGACAGAGTGAATACTAGGCGTC[C>T]AGCTTGCTCTACTTCATCCTGGCTCCACAACTCTGGTTTCCTGGGGACAGGAAGAAAATC-3'
Protein context (NP_714544.1, residues 1380-1400): LWSQDEVEQA[Gly1390Arg]RLVFTLSTEA